The following is an entry in ClinVar:

NM_015202.5(KATNIP):c.3370A>G (p.Ile1124Val)

Gene: KATNIP (katanin interacting protein; plus strand). Cytogenetic location: 16p12.1.
Variant type: single nucleotide variant.
Coding change: c.3370A>G on transcript NM_015202.5 (MANE Select); coding-DNA position 3370, A replaced by G.
Protein change: p.Ile1124Val; replaces isoleucine 1124 with valine.
Molecular consequence: missense variant.
Genome position (GRCh38, 1-based): chr16:27,751,742, A>G. VCF-style: chr16-27751742-A-G. GRCh37 (hg19) VCF-style: chr16-27763063-A-G.
Other names: c.3370A>G (NM_015202.2); short protein forms I1124V.
Identifiers: ClinVar variation 2682492 (VCV002682492.3), dbSNP rs761088926, ClinGen allele CA7978225.
Genomic context (GRCh38, chr16:27,751,742, plus strand): 5'-GTGAGTTGACCTTTCTGTCATCTTGATAACCCATTAGCCCCAGAGCACTTTGGAGACACG[A>G]TCTTATTCACAACCGATGATGACATTCTCGAGGCCATATTCTATTCTGATGAGATGTTTG-3'
Protein context (NP_056017.4, residues 1114-1134): AGAPEHFGDT[Ile1124Val]LFTTDDDILE

ClinVar aggregate classification (germline): Uncertain significance. Review status: criteria provided, multiple submitters, no conflicts (2 of 4 stars). 3 submissions from 3 submitters: Uncertain significance (3). Last evaluated 2025-10-22.

Allele frequency attached by ClinVar (database versions not stated): gnomAD 0.00002; gnomAD exomes 0.00002; ExAC 0.00004.
gnomAD v4.1: 26 of 1,614,074 alleles (0.0016%); highest among the groups gnomAD compares: South Asian, 0.024%; no homozygotes.

Submissions (3):

Ambry Genetics
Classification: Uncertain significance. Last evaluated: 2025-10-22. Review status: criteria provided, single submitter. Criteria: Ambry Variant Classification Scheme 2023. Collection method: clinical testing. Allele origin: germline.

Women's Health and Genetics/Laboratory Corporation of America, LabCorp
Classification: Uncertain significance. Last evaluated: 2023-11-13. Review status: criteria provided, single submitter. Criteria: LabCorp Variant Classification Summary - May 2015. Collection method: clinical testing. Allele origin: germline.
Comment: Variant summary: KATNIP c.3370A>G (p.Ile1124Val) results in a conservative amino acid change in the encoded protein sequence. Three of five in-silico tools predict a damaging effect of the variant on protein function. The variant allele was found at a frequency of 3.6e-05 in 251472 control chromosomes. The available data on variant occurrences in the general population are insufficient to allow any conclusion about variant significance. To our knowledge, no occurrence of c.3370A>G in individuals affected with Joubert Syndrome 26 and no experimental evidence demonstrating its impact on protein function have been reported. No submitters have cited clinical-significance assessments for this variant to ClinVar after 2014. Based on the evidence outlined above, the variant was classified as uncertain significance.

Blueprint Genetics
Classification: Uncertain significance. Last evaluated: 2021-06-18. Review status: criteria provided, single submitter. Criteria: ACMG Guidelines, 2015. Collection method: clinical testing. Allele origin: germline.